The following is an entry in ClinVar:

NM_018896.5(CACNA1G):c.5428G>C (p.Asp1810His)

Gene: CACNA1G (calcium voltage-gated channel subunit alpha1 G; plus strand). Cytogenetic location: 17q21.33.
Variant type: single nucleotide variant.
Coding change: c.5428G>C on transcript NM_018896.5 (MANE Select); coding-DNA position 5428, G replaced by C.
Protein change: p.Asp1810His; replaces aspartic acid 1810 with histidine.
Molecular consequence: missense variant. On other transcripts: non-coding transcript variant (5).
Genome position (GRCh38, 1-based): chr17:50,618,655, G>C. VCF-style: chr17-50618655-G-C. GRCh37 (hg19) VCF-style: chr17-48696016-G-C.
Other names: c.5374G>C, p.Asp1792His (NM_001256324.2, NM_198386.3); c.5449G>C, p.Asp1817His (NM_001256325.2); c.5293G>C, p.Asp1765His (NM_001256326.2, NM_001256330.2); c.5407G>C, p.Asp1803His (NM_001256327.2); c.5353G>C, p.Asp1785His (NM_001256328.2); c.5326G>C, p.Asp1776His (NM_001256329.2, NM_198376.3, NM_198379.3 and 2 more transcripts); c.5272G>C, p.Asp1758His (NM_001256331.2); c.5257G>C, p.Asp1753His (NM_001256332.2); and 7 more; short protein forms D1753H, D1758H, D1765H, D1769H, D1772H, D1774H, D1776H, D1783H.
Identifiers: ClinVar variation 3044567 (VCV003044567.2), dbSNP rs2545759831, ClinGen allele CA400264752.
Genomic context (GRCh38, chr17:50,618,655, plus strand): 5'-TCCACAACAGCTCCAACAACTGTCCTCCCCAGCCTCACCCCTCTATTCCACCCTCCCCAG[G>C]ACACCCTCCGGGACTGTGACCAGGAGTCCACCTGCTACAACACGGTCATCTCGCCTATCT-3'
Protein context (NP_061496.2, residues 1800-1820): TGDNWNGIMK[Asp1810His]TLRDCDQEST

ClinVar aggregate classification (germline): Uncertain significance (0 of 4 stars; one submission).

Conditions:
CACNA1G-related disorder. Also called: CACNA1G-related disorders; CACNA1G-related condition.

Submission:

PreventionGenetics, part of Exact Sciences
Classification: Uncertain significance for CACNA1G-related condition. Last evaluated: 2024-01-11. Review status: no assertion criteria provided. Collection method: clinical testing. Allele origin: germline.
Comment: The CACNA1G c.5428G>C variant is predicted to result in the amino acid substitution p.Asp1810His. This variant occurs at the end of an exon and a minor splicing defect at the consensus splice site is predicted (Alamut Visual v.2.11.0). To our knowledge, this variant has not been reported in the literature or in a large population database, indicating this variant is rare. At this time, the clinical significance of this variant is uncertain due to the absence of conclusive functional and genetic evidence.